The following is an entry in ClinVar:

ClinVar aggregate classification (germline): Uncertain significance (1 of 4 stars; one submission).

Conditions:
Inborn genetic diseases. Identifiers: MedGen C0950123, MeSH D030342.

gnomAD v4.1: 1 of 1,614,146 alleles (0.000062%); highest among the groups gnomAD compares: Non-Finnish European, 0.000085%; no homozygotes.

Submission:

Ambry Genetics
Classification: Uncertain significance for Inborn genetic diseases. Last evaluated: 2026-05-14. Review status: criteria provided, single submitter. Criteria: Ambry Variant Classification Scheme 2023. Collection method: clinical testing. Allele origin: germline.
Comment: The p.C130F variant (also known as c.389G>T), located in coding exon 4 of the FANCG gene, results from a G to T substitution at nucleotide position 389. The cysteine at codon 130 is replaced by phenylalanine, an amino acid with highly dissimilar properties. This amino acid position is conserved. In addition, this alteration is predicted to be tolerated by in silico analysis. Based on the available evidence, the clinical significance of this variant remains unclear.

NM_004629.2(FANCG):c.389G>T (p.Cys130Phe)

Gene: FANCG (FA complementation group G; minus strand). Cytogenetic location: 9p13.3.
Variant type: single nucleotide variant.
Coding change: c.389G>T on transcript NM_004629.2 (MANE Select); coding-DNA position 389, G replaced by T.
Protein change: p.Cys130Phe; replaces cysteine 130 with phenylalanine.
Molecular consequence: missense variant.
Genome position (GRCh38, 1-based): chr9:35,078,262, C>A on the plus strand (G>T on the coding strand, the complement: FANCG is on the minus strand). VCF-style: chr9-35078262-C-A. GRCh37 (hg19) VCF-style: chr9-35078259-C-A.
Other names: short protein forms C130F.
Identifiers: ClinVar variation 4871000 (VCV004871000.1).